The following is an entry in ClinVar:

ClinVar aggregate classification (germline): Pathogenic (1 of 4 stars; one submission).

Submission:

Labcorp Genetics (formerly Invitae), Labcorp
Classification: Pathogenic. Last evaluated: 2022-08-20. Review status: criteria provided, single submitter. Criteria: Invitae Variant Classification Sherloc (09022015). Collection method: clinical testing. Allele origin: germline.
Comment: For these reasons, this variant has been classified as Pathogenic. This variant has not been reported in the literature in individuals affected with EIF2B5-related conditions. This variant is not present in population databases (gnomAD no frequency). This sequence change creates a premature translational stop signal (p.Tyr495Serfs*8) in the EIF2B5 gene. It is expected to result in an absent or disrupted protein product. Loss-of-function variants in EIF2B5 are known to be pathogenic (PMID: 11704758, 15060152, 21307862).

Literature cited by the submitters: PubMed 11704758; PubMed 15060152; PubMed 21307862.

NM_003907.3(EIF2B5):c.1484del (p.Tyr495fs)

Gene: EIF2B5 (eukaryotic translation initiation factor 2B subunit epsilon; plus strand). Cytogenetic location: 3q27.1.
Variant type: Deletion.
Coding change: c.1484del on transcript NM_003907.3 (MANE Select); coding-DNA position 1484, one base deleted (A; older notation c.1484delA).
Protein change: p.Tyr495fs; shifts the reading frame from tyrosine 495.
Molecular consequence: frameshift variant.
Genome position (GRCh38, 1-based): chr3:184,142,541, A deleted. VCF-style (leftmost placement, unchanged base first): chr3-184142540-TA-T. GRCh37 (hg19) VCF-style: chr3-183860328-TA-T.
Other names: short protein forms Y495fs.
Identifiers: ClinVar variation 2025301 (VCV002025301.4), dbSNP rs2473669661, ClinGen allele CA2580070479.
Genomic context (GRCh38, chr3:184,142,540, plus strand): 5'-TATAGATCATTGCCTTTTCCAGGTTACAATCCAGCAGAAGTAGGAGCTGCTGGCAAGGGC[TA>T]CCTCTGGAAAGCTGCAGGCATGAACATGGAGGAAGAGGAGGAACTGCAGCAGAATCTGTG-3'